The following is an entry in ClinVar:

NM_001267550.2(TTN):c.833del (p.Ala278fs)

Gene: TTN (titin; minus strand). Cytogenetic location: 2q31.2.
Variant type: Deletion.
Coding change: c.833del on transcript NM_001267550.2 (MANE Select); coding-DNA position 833, one base deleted (C; older notation c.833delC).
Protein change: p.Ala278fs; shifts the reading frame from alanine 278.
Molecular consequence: frameshift variant.
Genome position (GRCh38, 1-based): chr2:178,799,568, G deleted on the plus strand (C on the coding strand, the reverse complement: TTN is on the minus strand). VCF-style (leftmost placement, unchanged base first): chr2-178799567-AG-A. GRCh37 (hg19) VCF-style: chr2-179664294-AG-A.
Other names: c.833del, p.Ala278fs (NM_001256850.1, NM_003319.4, NM_133378.4 and 3 more transcripts); short protein forms A278fs.
Identifiers: ClinVar variation 2947574 (VCV002947574.3), dbSNP rs2534305435, ClinGen allele CA2740096310.
Genomic context (GRCh38, chr2:178,799,567, plus strand): 5'-TGCCCGCACGTGTCTGACCGGGGAAGGGGAGTGTCTTATGGGCGATGGGGACTGCTGCCG[AG>A]CCAGCTGTGCTTTGGCAGCAATAGACGGTGGTGTTGGGGATCTTGACTTTGGCTTCGGAG-3'

ClinVar aggregate classification (germline): Likely pathogenic (1 of 4 stars; one submission).

Conditions:
Dilated cardiomyopathy 1G (CMD1G). Identifiers: Orphanet 154, MedGen C1858763, MONDO:0011400, OMIM 604145.
Autosomal recessive limb-girdle muscular dystrophy type 2J (LGMDR10). Also called: Limb-girdle muscular dystrophy, type 2J; MUSCULAR DYSTROPHY, LIMB-GIRDLE, AUTOSOMAL RECESSIVE 10. Identifiers: Orphanet 140922, MedGen C1837342, MONDO:0012127, OMIM 608807.

Submission:

Labcorp Genetics (formerly Invitae), Labcorp
Classification: Likely pathogenic for Dilated cardiomyopathy 1G; Autosomal recessive limb-girdle muscular dystrophy type 2J. Last evaluated: 2024-10-18. Review status: criteria provided, single submitter. Criteria: Invitae Variant Classification Sherloc (09022015). Collection method: clinical testing. Allele origin: germline.
Comment: This sequence change creates a premature translational stop signal (p.Ala278Valfs*9) in the TTN gene. While this is not anticipated to result in nonsense mediated decay, it is expected to create a truncated TTN protein. This variant is not present in population databases (gnomAD no frequency). This variant has not been reported in the literature in individuals affected with TTN-related conditions. This variant is located in the Z band of TTN (PMID: 25589632). Truncating variants in this region have been reported in individuals affected with autosomal recessive centronuclear myopathy (PMID: 33449170, internal data). Truncating variants in this region have also been identified in individuals affected with autosomal dominant dilated cardiomyopathy and/or cardio-related conditions (PMID: 27869827, 32964742, internal data). In summary, the currently available evidence indicates that the variant is pathogenic, but additional data are needed to prove that conclusively. Therefore, this variant has been classified as Likely Pathogenic.

Literature cited by the submitters: PubMed 25589632; PubMed 33449170; PubMed 27869827; PubMed 32964742.